The following is an entry in ClinVar:

NM_000051.4(ATM):c.696C>A (p.Ile232=)

Gene: ATM (ATM serine/threonine kinase; plus strand). Cytogenetic location: 11q22.3.
Variant type: single nucleotide variant.
Coding change: c.696C>A on transcript NM_000051.4 (MANE Select); coding-DNA position 696, C replaced by A.
Protein change: p.Ile232=; no amino-acid change (isoleucine 232 retained).
Molecular consequence: synonymous variant.
Genome position (GRCh38, 1-based): chr11:108,244,821, C>A. VCF-style: chr11-108244821-C-A. GRCh37 (hg19) VCF-style: chr11-108115548-C-A.
Other names: c.696C>A, p.Ile232= (NM_001351834.2).
Identifiers: ClinVar variation 3253999 (VCV003253999.1), dbSNP rs1591503507.

ClinVar aggregate classification (germline): Benign (1 of 4 stars; one submission).

Conditions:
Familial cancer of breast. Also called: BREAST CANCER, FAMILIAL; Hereditary breast cancer; hereditary breast carcinoma. Identifiers: Orphanet 227535, MedGen C0346153, MONDO:0016419, OMIM 114480. Disease mechanism: loss of function.

Submission:

Myriad Genetics, Inc.
Classification: Benign for Familial cancer of breast. Last evaluated: 2024-04-22. Review status: criteria provided, single submitter. Criteria: Myriad Autosomal Dominant, Autosomal Recessive and X-Linked Classification Criteria (2023). Collection method: clinical testing. Allele origin: unknown.
Comment: This variant is considered benign. This variant is a silent/synonymous amino acid change and it is not expected to impact splicing.